The following is an entry in ClinVar:

NM_005566.4(LDHA):c.824C>T (p.Thr275Ile)

Gene: LDHA (lactate dehydrogenase A; plus strand). Cytogenetic location: 11p15.1.
Variant type: single nucleotide variant.
Coding change: c.824C>T on transcript NM_005566.4 (MANE Select); coding-DNA position 824, C replaced by T.
Protein change: p.Thr275Ile; replaces threonine 275 with isoleucine.
Molecular consequence: missense variant. On other transcripts: non-coding transcript variant (1), intron variant (2).
Genome position (GRCh38, 1-based): chr11:18,405,562, C>T. VCF-style: chr11-18405562-C-T. GRCh37 (hg19) VCF-style: chr11-18427109-C-T.
Other names: c.650C>T, p.Thr217Ile (NM_001135239.2); c.911C>T, p.Thr304Ile (NM_001165414.2); c.711-1555C>T (NM_001165416.2); c.688-1677C>T (NM_001165415.2); short protein forms T275I, T304I, T217I.
Identifiers: ClinVar variation 2168048 (VCV002168048.4), dbSNP rs200256380, ClinGen allele CA5911392.

ClinVar aggregate classification (germline): Uncertain significance (1 of 4 stars; one submission).

Conditions:
Glycogen storage disease due to lactate dehydrogenase M-subunit deficiency (GSD11). Also called: Glycogen storage disease XI; GSD XI; LACTATE DEHYDROGENASE A DEFICIENCY. Identifiers: Orphanet 284426, MedGen C2931743, MONDO:0013047, OMIM 612933.

Allele frequency attached by ClinVar (database versions not stated): gnomAD 0.00001; gnomAD exomes 0.00001; ExAC 0.00002; TOPMed 0.00001.

Submission:

Labcorp Genetics (formerly Invitae), Labcorp
Classification: Uncertain significance for Glycogen storage disease due to lactate dehydrogenase M-subunit deficiency. Last evaluated: 2023-11-27. Review status: criteria provided, single submitter. Criteria: Invitae Variant Classification Sherloc (09022015). Collection method: clinical testing. Allele origin: germline.
Comment: This sequence change replaces threonine, which is neutral and polar, with isoleucine, which is neutral and non-polar, at codon 275 of the LDHA protein (p.Thr275Ile). This variant is present in population databases (rs200256380, gnomAD 0.004%). This variant has not been reported in the literature in individuals affected with LDHA-related conditions. ClinVar contains an entry for this variant (Variation ID: 2168048). Advanced modeling of protein sequence and biophysical properties (such as structural, functional, and spatial information, amino acid conservation, physicochemical variation, residue mobility, and thermodynamic stability) performed at Invitae indicates that this missense variant is not expected to disrupt LDHA protein function with a negative predictive value of 80%. In summary, the available evidence is currently insufficient to determine the role of this variant in disease. Therefore, it has been classified as a Variant of Uncertain Significance.